The following is an entry in ClinVar:

ClinVar aggregate classification (germline): Uncertain significance (1 of 4 stars; one submission).

Conditions:
ALG1-congenital disorder of glycosylation. Also called: CONGENITAL DISORDER OF GLYCOSYLATION, TYPE Ik; ALG1-CDG; CDG Ik. Identifiers: Orphanet 79327, MedGen C2931005, MONDO:0012052, OMIM 608540.

Submission:

3billion
Classification: Uncertain significance for ALG1-congenital disorder of glycosylation. Last evaluated: 2024-03-12. Review status: criteria provided, single submitter. Criteria: ACMG Guidelines, 2015. Collection method: clinical testing. Allele origin: germline. Affected: yes.
Comment: The variant is not observed in the gnomAD v2.1.1 dataset. Predicted Consequence/Location: Intron variant In silico tools predict the variant to alter splicing and produce an abnormal transcript [SpliceAI: 0.59 (>=0.2, moderate evidence for spliceogenicity)]. Therefore, this variant is classified as VUS according to the recommendation of ACMG/AMP guideline.

NM_019109.5(ALG1):c.901+6T>C

Gene: ALG1 (ALG1 chitobiosyldiphosphodolichol beta-mannosyltransferase; plus strand). Cytogenetic location: 16p13.3.
Variant type: single nucleotide variant.
Coding change: c.901+6T>C on transcript NM_019109.5 (MANE Select); 6 bases into the intron after coding-DNA position 901, T replaced by C.
Molecular consequence: intron variant.
Genome position (GRCh38, 1-based): chr16:5,079,108, T>C. VCF-style: chr16-5079108-T-C. GRCh37 (hg19) VCF-style: chr16-5129109-T-C.
Other names: c.568+6T>C (NM_001330504.2).
Identifiers: ClinVar variation 3776269 (VCV003776269.1).
Genomic context (GRCh38, chr16:5,079,108, plus strand): 5'-AATTCTCTTCTCATAGAGGACGAAGACTTCTCCATCCTGCTGGCAGCTTTAGAAAGTAGG[T>C]GTGTGGCTGCGGTGAGGAGCTCTGGGCTTGTCGGGGGCCACTGAGCTGTAAGCTGCTTGC-3'